The following is an entry in ClinVar:

ClinVar aggregate classification (germline): Likely benign. Review status: criteria provided, multiple submitters, no conflicts (2 of 4 stars). 2 submissions from 2 submitters: Likely benign (2). Last evaluated 2026-01-20.

Conditions:
Succinate-semialdehyde dehydrogenase deficiency (SSADHD). Also called: SSADH DEFICIENCY; 4-HYDROXYBUTYRIC ACIDURIA; GABA METABOLIC DEFECT; Succinic Semialdehyde Dehydrogenase Deficiency. Identifiers: Orphanet 22, MedGen C0268631, MONDO:0010083, OMIM 271980.

Allele frequency attached by ClinVar (database versions not stated): gnomAD exomes below 0.00001 and 0.00001; ExAC 0.00002; ESP Exome Variant Server 0.00008; gnomAD 0.00008 and 0.00010.
gnomAD v4.1: 18 of 1,606,216 alleles (0.0011%); highest among the groups gnomAD compares: African/African-American, 0.023%; no homozygotes.

Submissions (2):

Labcorp Genetics (formerly Invitae), Labcorp
Classification: Likely benign for Succinate-semialdehyde dehydrogenase deficiency. Last evaluated: 2026-01-20. Review status: criteria provided, single submitter. Criteria: Invitae Variant Classification Sherloc (09022015). Collection method: clinical testing. Allele origin: germline.

Mayo Clinic Laboratories, Mayo Clinic
Classification: Likely benign. Last evaluated: 2025-03-24. Review status: criteria provided, single submitter. Criteria: ACMG Guidelines, 2015. Collection method: clinical testing. Allele origin: germline. Observed: 1 variant allele.
Comment: BP4, BP7

NM_001080.3(ALDH5A1):c.738G>A (p.Gln246=)

Gene: ALDH5A1 (aldehyde dehydrogenase 5 family member A1; plus strand). Cytogenetic location: 6p22.3.
Variant type: single nucleotide variant.
Coding change: c.738G>A on transcript NM_001080.3 (MANE Select); coding-DNA position 738, G replaced by A.
Protein change: p.Gln246=; no amino-acid change (glutamine 246 retained).
Molecular consequence: synonymous variant. On other transcripts: intron variant (1).
Genome position (GRCh38, 1-based): chr6:24,515,178, G>A. VCF-style: chr6-24515178-G-A. GRCh37 (hg19) VCF-style: chr6-24515406-G-A.
Other names: p.Gln246=; c.777G>A, p.Gln259= (NM_170740.1); c.727-5223G>A (NM_001368954.1).
Identifiers: ClinVar variation 760188 (VCV000760188.11), dbSNP rs372881980, ClinGen allele CA3656741.